The following is an entry in ClinVar:

NM_001267550.2(TTN):c.45083-1G>A

Genes: TTN (titin; minus strand), LOC126806427 (BRD4-independent group 4 enhancer GRCh37_chr2:179485777-179486976; plus strand). Cytogenetic location: 2q31.2.
Variant type: single nucleotide variant.
Coding change: c.45083-1G>A on transcript NM_001267550.2 (MANE Select); the canonical splice acceptor site of the intron before coding-DNA position 45083, G replaced by A.
Molecular consequence: splice acceptor variant.
Genome position (GRCh38, 1-based): chr2:178,621,742, C>T on the plus strand (G>A on the coding strand, the complement: TTN is on the minus strand). VCF-style: chr2-178621742-C-T. GRCh37 (hg19) VCF-style: chr2-179486469-C-T.
Other names: c.17888-1G>A (NM_003319.4); c.18464-1G>A (NM_133437.4); c.18263-1G>A (NM_133432.3); c.37379-1G>A (NM_133378.4); c.40160-1G>A (NM_001256850.1).
Identifiers: ClinVar variation 1983751 (VCV001983751.6), dbSNP rs1478618005, ClinGen allele CA349636139.
Genomic context (GRCh38, chr2:178,621,742, plus strand): 5'-TAGTGTCTGTTTCACTAACTTCAATGTTGGCAAGATTTTTGGTAAAGACAGCTTCTTCTT[C>T]TGCAAGCATTGAAAAAACAAAAACCACATTGAGTTAAGCTGGAAATTATTATTTTTTCCC-3'

ClinVar aggregate classification (germline): Likely pathogenic. Review status: criteria provided, multiple submitters, no conflicts (2 of 4 stars). 2 submissions from 2 submitters: Likely pathogenic (2). Last evaluated 2026-04-06.

Conditions:
Autosomal recessive limb-girdle muscular dystrophy type 2J (LGMDR10). Also called: Limb-girdle muscular dystrophy, type 2J; MUSCULAR DYSTROPHY, LIMB-GIRDLE, AUTOSOMAL RECESSIVE 10. Identifiers: Orphanet 140922, MedGen C1837342, MONDO:0012127, OMIM 608807.
Dilated cardiomyopathy 1G (CMD1G). Identifiers: Orphanet 154, MedGen C1858763, MONDO:0011400, OMIM 604145.

Allele frequency attached by ClinVar (database versions not stated): gnomAD exomes below 0.00001.
gnomAD v4.1: 1 of 1,610,054 alleles (0.000062%); highest among the groups gnomAD compares: Admixed American, 0.0017%; no homozygotes.

Submissions (2):

GeneDx
Classification: Likely pathogenic. Last evaluated: 2026-04-06. Review status: criteria provided, single submitter. Criteria: GeneDx Variant Classification Process June 2021. Collection method: clinical testing. Allele origin: germline.
Comment: Canonical splice site variant predicted to result in an in-frame loss of the adjacent exon in a gene for which loss of function is a known mechanism of disease; Located in a specific region of the I-band within TTN for which truncating variants are significantly associated with autosomal dominant cardiomyopathy and also with autosomal recessive skeletal myopathies (PMID: 27625338, 27869827, 32778822); Not observed at significant frequency in large population cohorts (gnomAD); Has not been previously published as pathogenic or benign to our knowledge; This variant is associated with the following publications: (PMID: 27625338, 27869827, 32778822)

Labcorp Genetics (formerly Invitae), Labcorp
Classification: Likely pathogenic for Dilated cardiomyopathy 1G; Autosomal recessive limb-girdle muscular dystrophy type 2J. Last evaluated: 2024-11-04. Review status: criteria provided, single submitter. Criteria: Invitae Variant Classification Sherloc (09022015). Collection method: clinical testing. Allele origin: germline.
Comment: This sequence change affects an acceptor splice site in intron 244 of the TTN gene. It is expected to disrupt RNA splicing and likely results in a truncated or disrupted TTN protein. This variant is present in population databases (no rsID available, gnomAD 0.003%). This variant has not been reported in the literature in individuals affected with TTN-related conditions. ClinVar contains an entry for this variant (Variation ID: 1983751). Algorithms developed to predict the effect of sequence changes on RNA splicing suggest that this variant may disrupt the consensus splice site. This variant is located in the I band of TTN (PMID: 25589632). Truncating variants in this region have been reported in individuals affected with autosomal recessive centronuclear myopathy (PMID: 23975875, internal data). Truncating variants in this region have also been identified in individuals affected with autosomal dominant dilated cardiomyopathy and/or cardio-related conditions (PMID: 27869827, 32964742, internal data). In summary, the currently available evidence indicates that the variant is pathogenic, but additional data are needed to prove that conclusively. Therefore, this variant has been classified as Likely Pathogenic.

Literature cited by the submitters: PubMed 25589632 (cited by Labcorp Genetics (formerly Invitae), Labcorp); PubMed 23975875 (cited by Labcorp Genetics (formerly Invitae), Labcorp); PubMed 27869827 (cited by Labcorp Genetics (formerly Invitae), Labcorp); PubMed 32964742 (cited by Labcorp Genetics (formerly Invitae), Labcorp).